The following is an entry in ClinVar:

NM_002029.4(FPR1):c.284G>T (p.Trp95Leu)

Gene: FPR1 (formyl peptide receptor 1; minus strand). Cytogenetic location: 19q13.41.
Variant type: single nucleotide variant.
Coding change: c.284G>T on transcript NM_002029.4 (MANE Select); coding-DNA position 284, G replaced by T.
Protein change: p.Trp95Leu; replaces tryptophan 95 with leucine.
Molecular consequence: missense variant.
Genome position (GRCh38, 1-based): chr19:51,746,711, C>A on the plus strand (G>T on the coding strand, the complement: FPR1 is on the minus strand). VCF-style: chr19-51746711-C-A. GRCh37 (hg19) VCF-style: chr19-52249964-C-A.
Other names: c.284G>T, p.Trp95Leu (NM_001193306.2); short protein forms W95L.
Identifiers: ClinVar variation 2189596 (VCV002189596.4), dbSNP rs1455632263, ClinGen allele CA407119675.
Genomic context (GRCh38, chr19:51,746,711, plus strand): 5'-AGGAAGACACTTCCGAACAAGTTGATGTCCACTATGGTAAAGACGAATTTGCACAGGAAC[C>A]AGCCGAAAGGCCAATGTCCTCCCATGGCCTTCCTGACCATGAAGAATGGCAAAGTGGAGG-3'
Protein context (NP_002020.1, residues 85-105): KAMGGHWPFG[Trp95Leu]FLCKFVFTIV

ClinVar aggregate classification (germline): Uncertain significance (1 of 4 stars; one submission).

Conditions:
Gingival disorder. Also called: Gingival disease. Identifiers: MedGen C0017563, MONDO:0002021.

Allele frequency attached by ClinVar (database versions not stated): TOPMed below 0.00001; gnomAD 0.00001.

Submission:

Labcorp Genetics (formerly Invitae), Labcorp
Classification: Uncertain significance for Gingival disorder. Last evaluated: 2022-02-28. Review status: criteria provided, single submitter. Criteria: Invitae Variant Classification Sherloc (09022015). Collection method: clinical testing. Allele origin: germline.
Comment: In summary, the available evidence is currently insufficient to determine the role of this variant in disease. Therefore, it has been classified as a Variant of Uncertain Significance. Algorithms developed to predict the effect of missense changes on protein structure and function (SIFT, PolyPhen-2, Align-GVGD) all suggest that this variant is likely to be tolerated. This variant has not been reported in the literature in individuals affected with FPR1-related conditions. This variant is not present in population databases (gnomAD no frequency). This sequence change replaces tryptophan, which is neutral and slightly polar, with leucine, which is neutral and non-polar, at codon 95 of the FPR1 protein (p.Trp95Leu).